The following is an entry in ClinVar:

ClinVar aggregate classification (germline): Uncertain significance (1 of 4 stars; one submission).

Conditions:
Vici syndrome (VICIS). Identifiers: Orphanet 1493, MedGen C1855772, MONDO:0009452, OMIM 242840.

Allele frequency attached by ClinVar (database versions not stated): gnomAD exomes 0.00001; ExAC 0.00002.
gnomAD v4.1: 11 of 1,614,182 alleles (0.00068%); highest among the groups gnomAD compares: South Asian, 0.011%; no homozygotes.

Submission:

Labcorp Genetics (formerly Invitae), Labcorp
Classification: Uncertain significance for Vici syndrome. Last evaluated: 2022-07-09. Review status: criteria provided, single submitter. Criteria: Invitae Variant Classification Sherloc (09022015). Collection method: clinical testing. Allele origin: germline.
Comment: This sequence change replaces asparagine, which is neutral and polar, with serine, which is neutral and polar, at codon 357 of the EPG5 protein (p.Asn357Ser). This variant is present in population databases (rs777200087, gnomAD 0.02%). This variant has not been reported in the literature in individuals affected with EPG5-related conditions. Algorithms developed to predict the effect of missense changes on protein structure and function output the following: SIFT: "Tolerated"; PolyPhen-2: "Probably Damaging"; Align-GVGD: "Class C0". The serine amino acid residue is found in multiple mammalian species, which suggests that this missense change does not adversely affect protein function. In summary, the available evidence is currently insufficient to determine the role of this variant in disease. Therefore, it has been classified as a Variant of Uncertain Significance.

NM_020964.3(EPG5):c.1070A>G (p.Asn357Ser)

Gene: EPG5 (ectopic P-granules 5 autophagy tethering factor; minus strand). Cytogenetic location: 18q21.1.
Variant type: single nucleotide variant.
Coding change: c.1070A>G on transcript NM_020964.3 (MANE Select); coding-DNA position 1070, A replaced by G.
Protein change: p.Asn357Ser; replaces asparagine 357 with serine.
Molecular consequence: missense variant.
Genome position (GRCh38, 1-based): chr18:45,952,582, T>C on the plus strand (A>G on the coding strand, the complement: EPG5 is on the minus strand). VCF-style: chr18-45952582-T-C. GRCh37 (hg19) VCF-style: chr18-43532548-T-C.
Other names: c.1070A>G, p.Asn357Ser (NM_001410858.1, NM_001410859.1); short protein forms N357S.
Identifiers: ClinVar variation 2008343 (VCV002008343.1), dbSNP rs777200087, ClinGen allele CA8949820.
Genomic context (GRCh38, chr18:45,952,582, plus strand): 5'-TGGTGGAGGTGCTCAGATTTGGCATCGAATAGCTTCTTTAGCTCCACCAGTGCATTTTCA[T>C]TCATTTCTACTCTTTGGTAGCGATGATAGCTGAAAACTTTCACTTGATCTGCACAGATAC-3'
Protein context (NP_066015.2, residues 347-367): SYHRYQRVEM[Asn357Ser]ENALVELKKL